The following is an entry in ClinVar:

NM_006922.4(SCN3A):c.1862G>C (p.Arg621Pro)

Gene: SCN3A (sodium voltage-gated channel alpha subunit 3; minus strand). Cytogenetic location: 2q24.3.
Variant type: single nucleotide variant.
Coding change: c.1862G>C on transcript NM_006922.4 (MANE Select); coding-DNA position 1862, G replaced by C.
Protein change: p.Arg621Pro; replaces arginine 621 with proline.
Molecular consequence: missense variant.
Genome position (GRCh38, 1-based): chr2:165,140,808, C>G on the plus strand (G>C on the coding strand, the complement: SCN3A is on the minus strand). VCF-style: chr2-165140808-C-G. GRCh37 (hg19) VCF-style: chr2-165997318-C-G.
Other names: c.1862G>C, p.Arg621Pro (NM_001081676.2, NM_001081677.2); short protein forms R621P.
Identifiers: ClinVar variation 3635082 (VCV003635082.2).

ClinVar aggregate classification (germline): Uncertain significance (1 of 4 stars; one submission).

gnomAD v4.1: 5 of 1,614,130 alleles (0.00031%); highest among the groups gnomAD compares: African/African-American, 0.0027%; no homozygotes.

Submission:

Labcorp Genetics (formerly Invitae), Labcorp
Classification: Uncertain significance. Last evaluated: 2024-09-23. Review status: criteria provided, single submitter. Criteria: Invitae Variant Classification Sherloc (09022015). Collection method: clinical testing. Allele origin: germline.
Comment: This sequence change replaces arginine, which is basic and polar, with proline, which is neutral and non-polar, at codon 621 of the SCN3A protein (p.Arg621Pro). This variant is not present in population databases (gnomAD no frequency). This variant has not been reported in the literature in individuals affected with SCN3A-related conditions. Invitae Evidence Modeling of protein sequence and biophysical properties (such as structural, functional, and spatial information, amino acid conservation, physicochemical variation, residue mobility, and thermodynamic stability) has been performed for this missense variant. However, the output from this modeling did not meet the statistical confidence thresholds required to predict the impact of this variant on SCN3A protein function. In summary, the available evidence is currently insufficient to determine the role of this variant in disease. Therefore, it has been classified as a Variant of Uncertain Significance.